The following is an entry in ClinVar:

NM_002184.4(IL6ST):c.325G>A (p.Gly109Arg)

Gene: IL6ST (interleukin 6 cytokine family signal transducer; minus strand). Cytogenetic location: 5q11.2.
Variant type: single nucleotide variant.
Coding change: c.325G>A on transcript NM_002184.4 (MANE Select); coding-DNA position 325, G replaced by A.
Protein change: p.Gly109Arg; replaces glycine 109 with arginine.
Molecular consequence: missense variant. On other transcripts: 5 prime UTR variant (3), non-coding transcript variant (2), intron variant (1).
Genome position (GRCh38, 1-based): chr5:55,969,595, C>T on the plus strand (G>A on the coding strand, the complement: IL6ST is on the minus strand). VCF-style: chr5-55969595-C-T. GRCh37 (hg19) VCF-style: chr5-55265423-C-T.
Other names: c.325G>A, p.Gly109Arg (NM_001190981.2, NM_001364275.2, NM_175767.3); c.-468G>A (NM_001364277.2, NM_001364279.2); c.-458G>A (NM_001364278.2); c.160+165G>A (NM_001364276.2); short protein forms G109R.
Identifiers: ClinVar variation 2184046 (VCV002184046.5), dbSNP rs766954013, ClinGen allele CA3271730.
Genomic context (GRCh38, chr5:55,969,595, plus strand): 5'-AAAAACAAAACTTACAGCCTGAAATTATTGTGATTCCATAAACATTCTGTTCAAGCTGTC[C>T]GAATGTAAGAATGTTGCAAGTGAGCTGAATATTTAATGAAGCTATATCTGTAAAGGTGAC-3'
Protein context (NP_002175.2, residues 99-119): IQLTCNILTF[Gly109Arg]QLEQNVYGIT

ClinVar aggregate classification (germline): Uncertain significance (1 of 4 stars; one submission).

Allele frequency attached by ClinVar (database versions not stated): gnomAD exomes 0.00001; TOPMed 0.00003; ExAC 0.00004; gnomAD 0.00004.
gnomAD v4.1: 26 of 1,612,838 alleles (0.0016%); highest among the groups gnomAD compares: Admixed American, 0.013%; no homozygotes.

Submissions (2):

Labcorp Genetics (formerly Invitae), Labcorp
Classification: Uncertain significance. Last evaluated: 2025-10-29. Review status: criteria provided, single submitter. Criteria: Invitae Variant Classification Sherloc (09022015). Collection method: clinical testing. Allele origin: germline.
Comment: This sequence change replaces glycine, which is neutral and non-polar, with arginine, which is basic and polar, at codon 109 of the IL6ST protein (p.Gly109Arg). This variant is present in population databases (rs766954013, gnomAD 0.01%). This variant has not been reported in the literature in individuals affected with IL6ST-related conditions. ClinVar contains an entry for this variant (Variation ID: 2184046). An algorithm developed to predict the effect of missense changes on protein structure and function (PolyPhen-2) suggests that this variant is likely to be disruptive. Algorithms developed to predict the effect of sequence changes on RNA splicing suggest that this variant may disrupt the consensus splice site. In summary, the available evidence is currently insufficient to determine the role of this variant in disease. Therefore, it has been classified as a Variant of Uncertain Significance.

Dr. Peter K. Rogan Lab, Western University
No classification provided (evidence only). Condition: Malignant tumor of esophagus. Review status: no classification provided. Collection method: in vitro. Allele origin: not applicable. Functional consequence: retained intron. Not counted in ClinVar's aggregate classification.